The following is an entry in ClinVar:

ClinVar aggregate classification (germline): Uncertain significance. Review status: criteria provided, multiple submitters, no conflicts (2 of 4 stars). 3 submissions from 3 submitters: Uncertain significance (3). Last evaluated 2025-11-07.

Conditions:
Hereditary cancer-predisposing syndrome. Also called: Tumor predisposition; Hereditary neoplastic syndrome; Neoplastic Syndromes, Hereditary; Hereditary Cancer Syndrome. Identifiers: Orphanet 140162, MedGen C0027672, MeSH D009386, MONDO:0015356.
Endometrial carcinoma. Also called: Endometrial carcinoma, somatic. Identifiers: MedGen C0476089, MONDO:0002447, OMIM 608089, HP:0012114.
Familial adenomatous polyposis 4 (FAP4). Also called: MSH3-related attenuated familial adenomatous polyposis. Identifiers: Orphanet 480536, MedGen C4310719, MONDO:0044300, OMIM 617100.

Submissions (3):

Ambry Genetics
Classification: Uncertain significance for Hereditary cancer-predisposing syndrome. Last evaluated: 2025-11-07. Review status: criteria provided, single submitter. Criteria: Ambry Variant Classification Scheme 2023. Collection method: clinical testing. Allele origin: germline.
Comment: The c.2543+5G>A intronic variant results from a G to A substitution 5 nucleotides after coding exon 18 in the MSH3 gene. This nucleotide position is not well conserved in available vertebrate species. In silico splice site analysis predicts that this alteration will not have any significant effect on splicing; however, direct evidence is insufficient at this time (Ambry internal data). Based on the available evidence, the clinical significance of this variant remains unclear.

Labcorp Genetics (formerly Invitae), Labcorp
Classification: Uncertain significance. Last evaluated: 2024-05-06. Review status: criteria provided, single submitter. Criteria: Invitae Variant Classification Sherloc (09022015). Collection method: clinical testing. Allele origin: germline.
Comment: This sequence change falls in intron 18 of the MSH3 gene. It does not directly change the encoded amino acid sequence of the MSH3 protein. It affects a nucleotide within the consensus splice site. This variant is not present in population databases (gnomAD no frequency). This variant has not been reported in the literature in individuals affected with MSH3-related conditions. ClinVar contains an entry for this variant (Variation ID: 859866). Variants that disrupt the consensus splice site are a relatively common cause of aberrant splicing (PMID: 17576681, 9536098). Algorithms developed to predict the effect of sequence changes on RNA splicing suggest that this variant is not likely to affect RNA splicing. In summary, the available evidence is currently insufficient to determine the role of this variant in disease. Therefore, it has been classified as a Variant of Uncertain Significance.

Fulgent Genetics
Classification: Uncertain significance for Endometrial carcinoma; Familial adenomatous polyposis 4. Last evaluated: 2024-01-31. Review status: criteria provided, single submitter. Criteria: ACMG Guidelines, 2015. Collection method: clinical testing. Allele origin: germline.

Literature cited by the submitters: PubMed 17576681 (cited by Labcorp Genetics (formerly Invitae), Labcorp); PubMed 9536098 (cited by Labcorp Genetics (formerly Invitae), Labcorp).

NM_002439.5(MSH3):c.2543+5G>A

Gene: MSH3 (mutS homolog 3; plus strand). Cytogenetic location: 5q14.1.
Variant type: single nucleotide variant.
Coding change: c.2543+5G>A on transcript NM_002439.5 (MANE Select); 5 bases into the intron after coding-DNA position 2543, G replaced by A.
Molecular consequence: intron variant.
Genome position (GRCh38, 1-based): chr5:80,787,677, G>A. VCF-style: chr5-80787677-G-A. GRCh37 (hg19) VCF-style: chr5-80083496-G-A.
Identifiers: ClinVar variation 859866 (VCV000859866.13), dbSNP rs1744533862, ClinGen allele CA916082731.
Genomic context (GRCh38, chr5:80,787,677, plus strand): 5'-ACTGTTGACTGCATTTTCTCCCTGGCCAAGGTCGCTAAGCAAGGAGATTACTGCAGGTAA[G>A]ATATTTTTCATTTTCCTCTTTATCAGTGCTTTAGATAAGATGACATTATTCAATTAATTA-3'